The following is an entry in ClinVar:

ClinVar aggregate classification (germline): Likely benign (0 of 4 stars; one submission).

Conditions:
CNBP-related disorder. Also called: CNBP-related condition.

Submission:

PreventionGenetics, part of Exact Sciences
Classification: Likely benign for CNBP-related condition. Last evaluated: 2023-03-23. Review status: no assertion criteria provided. Collection method: clinical testing. Allele origin: germline.
Comment: This variant is classified as likely benign based on ACMG/AMP sequence variant interpretation guidelines (Richards et al. 2015 PMID: 25741868, with internal and published modifications).

NM_003418.5(CNBP):c.-14-962GT[18]

Genes: CNBP (CCHC-type zinc finger nucleic acid binding protein; minus strand), LOC108644431 (myotonic dystrophy type 2 repeat instability region; plus strand). Cytogenetic location: 3q21.3.
Variant type: Microsatellite.
Coding change: c.-14-962GT[18] on transcript NM_003418.5 (MANE Select); 18 copies in a row of the 2-base unit GT starting at c.-14-962; the reference has 19 copies in a row; one copy, 2 bases deleted.
Molecular consequence: intron variant.
Genome position (GRCh38, 1-based): chr3:129,172,696-129,172,697, AC deleted on the plus strand (GT on the coding strand, the reverse complement: CNBP is on the minus strand); deleting any 2 consecutive bases within chr3:129,172,696-129,172,733 gives the same sequence; the position shown is the placement nearest the transcript's 3' end. VCF-style (leftmost placement, unchanged base first): chr3-129172695-GAC-G. GRCh37 (hg19) VCF-style: chr3-128891538-GAC-G.
Other names: c.-14-962GT[18] (NM_001127196.2, NM_001127195.2, NM_001127194.2 and 2 more transcripts).
Identifiers: ClinVar variation 3030761 (VCV003030761.2), dbSNP rs1553787467, ClinGen allele CA898729425.
Genomic context (GRCh38, chr3:129,172,695, plus strand): 5'-GGCAGGCAGGCAGGCAGGCAGGCAGACAGACAGACAGACAGACAGACAGACAGACAGACA[GAC>G]ACACACACACACACACACACACACACACACACACACTGGCAGTAATACTCATTCACTCAT-3'